The following is an entry in ClinVar:

NM_001190737.2(NFIB):c.-2T>G

Gene: NFIB (nuclear factor I B; minus strand). Cytogenetic location: 9p22.3.
Variant type: single nucleotide variant.
Coding change: c.-2T>G on transcript NM_001190737.2 (MANE Select); 2 bases upstream of the start codon, T replaced by G.
Molecular consequence: 5 prime UTR variant. On other transcripts: intron variant (13).
Genome position (GRCh38, 1-based): chr9:14,313,513, A>C on the plus strand (T>G on the coding strand, the complement: NFIB is on the minus strand). VCF-style: chr9-14313513-A-C. GRCh37 (hg19) VCF-style: chr9-14313512-A-C.
Other names: c.-2T>G (NM_001369461.1, NM_001369464.1, NM_001369471.1 and 5 more transcripts); c.97-5993T>G (NM_001369468.1, NM_001369462.1, NM_001369459.1 and 1 more transcripts); c.109-5993T>G (NM_001190738.2); c.19-5993T>G (NM_001369478.1, NM_001369470.1, NM_001369473.1 and 4 more transcripts); c.-115+2581T>G (NM_001369469.1).
Identifiers: ClinVar variation 3371786 (VCV003371786.1).

ClinVar aggregate classification (germline): Uncertain significance (1 of 4 stars; one submission).

Submission:

GeneDx
Classification: Uncertain significance. Last evaluated: 2024-03-28. Review status: criteria provided, single submitter. Criteria: GeneDx Variant Classification Process June 2021. Collection method: clinical testing. Allele origin: germline. Affected: yes.
Comment: Not observed at significant frequency in large population cohorts (gnomAD); Located in a region that tolerates variation and lacks pathogenic variants; Has not been previously published as pathogenic or benign to our knowledge